The following is an entry in ClinVar:

ClinVar aggregate classification (germline): Conflicting classifications of pathogenicity. Review status: criteria provided, conflicting classifications (1 of 4 stars). 5 submissions from 5 submitters: Uncertain significance (1); Likely benign (3). 1 of the submissions does not count toward it. Last evaluated 2026-01-25.

Conditions:
Meckel-Gruber syndrome. Also called: Dysencephalia splachnocystica; DYSENCEPHALIA SPLANCHNOCYSTICA; GRUBER SYNDROME. Identifiers: Orphanet 564, MedGen C0265215, MONDO:0018921.
Joubert syndrome. Also called: Familial aplasia of the vermis; JOUBERT-BOLTSHAUSER SYNDROME. Identifiers: Orphanet 475, MedGen C5979921, MONDO:0018772.
CC2D2A-related disorder. Also called: CC2D2A-related disorders; CC2D2A-related condition. Identifiers: MedGen CN239313.

Submissions (5):

Labcorp Genetics (formerly Invitae), Labcorp
Classification: Likely benign for Joubert syndrome; Meckel-Gruber syndrome. Last evaluated: 2026-01-25. Review status: criteria provided, single submitter. Criteria: Invitae Variant Classification Sherloc (09022015). Collection method: clinical testing. Allele origin: germline.

Mayo Clinic Laboratories, Mayo Clinic
Classification: Likely benign. Last evaluated: 2025-11-02. Review status: criteria provided, single submitter. Criteria: ACMG Guidelines, 2015. Collection method: clinical testing. Allele origin: germline. Observed: 1 variant allele.
Comment: BP4, BP7

GeneDx
Classification: Likely benign. Last evaluated: 2020-03-11. Review status: criteria provided, single submitter. Criteria: GeneDx Variant Classification Process June 2021. Collection method: clinical testing. Allele origin: germline. Affected: yes.

Eurofins Ntd Llc (ga)
Classification: Uncertain significance. Last evaluated: 2018-04-26. Review status: criteria provided, single submitter. Criteria: EGL ClinVar v180209 classification definitions. Collection method: clinical testing. Allele origin: germline. Observed: 2 variant alleles, 2 heterozygotes.

PreventionGenetics, part of Exact Sciences
Classification: Likely benign for CC2D2A-related condition. Last evaluated: 2023-03-15. Review status: no assertion criteria provided. Collection method: clinical testing. Allele origin: germline. Not counted in ClinVar's aggregate classification.
Comment: This variant is classified as likely benign based on ACMG/AMP sequence variant interpretation guidelines (Richards et al. 2015 PMID: 25741868, with internal and published modifications).

NM_001378615.1(CC2D2A):c.2182-9_2182-8delinsAA

Genes: CC2D2A (coiled-coil and C2 domain containing 2A; plus strand), FBXL5 (F-box and leucine rich repeat protein 5; minus strand). Cytogenetic location: 4p15.32.
Variant type: Indel.
Coding change: c.2182-9_2182-8delinsAA on transcript NM_001378615.1 (MANE Select); 9 bases into the intron before coding-DNA position 2182 through 8 bases into the intron before coding-DNA position 2182, GG replaced by AA.
Molecular consequence: intron variant.
Genome position (GRCh38, 1-based): chr4:15,550,815-15,550,816, GG replaced by AA. VCF-style: chr4-15550815-GG-AA. GRCh37 (hg19) VCF-style: chr4-15552438-GG-AA.
Other names: p.?; c.2182-9_2182-8delinsAA (NM_001080522.2); c.2035-9_2035-8delinsAA (NM_001378617.1).
Identifiers: ClinVar variation 596991 (VCV000596991.20), dbSNP rs1560177950, ClinGen allele CA913189468.